The following is an entry in ClinVar:

NM_001572.5(IRF7):c.91C>T (p.Gln31Ter)

Gene: IRF7 (interferon regulatory factor 7; minus strand). Cytogenetic location: 11p15.5.
Variant type: single nucleotide variant.
Coding change: c.91C>T on transcript NM_001572.5 (MANE Select); coding-DNA position 91, C replaced by T.
Protein change: p.Gln31Ter; replaces glutamine 31 with a stop codon.
Molecular consequence: nonsense.
Genome position (GRCh38, 1-based): chr11:615,189, G>A on the plus strand (C>T on the coding strand, the complement: IRF7 is on the minus strand). VCF-style: chr11-615189-G-A. GRCh37 (hg19) VCF-style: chr11-615189-G-A.
Other names: c.91C>T, p.Gln31Ter (NM_004029.4); c.130C>T, p.Gln44Ter (NM_004031.4); short protein forms Q44*, Q31*.
Identifiers: ClinVar variation 2134239 (VCV002134239.4), dbSNP rs2493949409, ClinGen allele CA378984642.

ClinVar aggregate classification (germline): Uncertain significance (1 of 4 stars; one submission).

Conditions:
Immunodeficiency 39 (IMD39). Identifiers: Orphanet 574918, MedGen C4225358, MONDO:0014597, OMIM 616345.

Allele frequency attached by ClinVar (database versions not stated): gnomAD exomes below 0.00001.

Submission:

Labcorp Genetics (formerly Invitae), Labcorp
Classification: Uncertain significance for Immunodeficiency 39. Last evaluated: 2022-05-05. Review status: criteria provided, single submitter. Criteria: Invitae Variant Classification Sherloc (09022015). Collection method: clinical testing. Allele origin: germline.
Comment: In summary, the available evidence is currently insufficient to determine the role of this variant in disease. Therefore, it has been classified as a Variant of Uncertain Significance. This variant has not been reported in the literature in individuals affected with IRF7-related conditions. This variant is not present in population databases (gnomAD no frequency). This sequence change creates a premature translational stop signal (p.Gln44*) in the IRF7 gene. It is expected to result in an absent or disrupted protein product. However, the current clinical and genetic evidence is not sufficient to establish whether loss-of-function variants in IRF7 cause disease.